The following is an entry in ClinVar:

ClinVar aggregate classification (germline): Likely pathogenic (1 of 4 stars; one submission).

Conditions:
Noonan syndrome 10 (NS10). Identifiers: Orphanet 648, MedGen C4225280, MONDO:0014693, OMIM 616564.

Submission:

The Shared Resource Centre "Genome", Research Centre for Medical Genetics
Classification: Likely pathogenic for Noonan syndrome 10. Last evaluated: 2026-06-25. Review status: criteria provided, single submitter. Criteria: ACMG Guidelines, 2015. Collection method: clinical testing. Allele origin: germline. Inheritance: Autosomal dominant inheritance. Affected: yes. Observed: 1 variant allele, 1 heterozygote.
Comment: Classified as Likely pathogenic according to ACMG/AMP 2015 criteria (Richards et al., 2015): PVS1, PM2. Variant identified in a Russian cohort referred for suspected Noonan syndrome or Noonan-like phenotypes; not previously reported in HGMD Professional or ClinVar at the time of analysis.

NM_006767.4(LZTR1):c.1357dup (p.Glu453fs)

Gene: LZTR1 (leucine zipper like post translational regulator 1; plus strand). Cytogenetic location: 22q11.21.
Variant type: Duplication.
Coding change: c.1357dup on transcript NM_006767.4 (MANE Select); coding-DNA position 1357, one base duplicated (G; older notation c.1357dupG).
Protein change: p.Glu453fs; shifts the reading frame from glutamic acid 453.
Molecular consequence: frameshift variant.
Genome position (GRCh38, 1-based): chr22:20,993,927, G duplicated; the last of 2 consecutive G bases (chr22:20,993,926-20,993,927); duplicating either gives the same sequence. VCF-style (leftmost placement, unchanged base first): chr22-20993925-A-AG. GRCh37 (hg19) VCF-style: chr22-21348214-A-AG.
Other names: c.1356dup (NM_006767.4); short protein forms E453fs.
Identifiers: ClinVar variation 4857312 (VCV004857312.1).